The following is an entry in ClinVar:

ClinVar aggregate classification (germline): Likely benign (0 of 4 stars; one submission).

Conditions:
TTN-related disorder. Also called: TTN-related condition; TTN-related disease; TTN-related disorders.

Allele frequency attached by ClinVar (database versions not stated): gnomAD exomes 0.00001; ExAC 0.00002.
gnomAD v4.1: 4 of 1,582,452 alleles (0.00025%); highest among the groups gnomAD compares: Admixed American, 0.0018%; no homozygotes.

Submission:

PreventionGenetics, part of Exact Sciences
Classification: Likely benign for TTN-related condition. Last evaluated: 2023-07-14. Review status: no assertion criteria provided. Collection method: clinical testing. Allele origin: germline.
Comment: This variant is classified as likely benign based on ACMG/AMP sequence variant interpretation guidelines (Richards et al. 2015 PMID: 25741868, with internal and published modifications).

NM_001267550.2(TTN):c.107681-7C>T

Genes: TTN (titin; minus strand), TTN-AS1 (TTN antisense RNA 1; plus strand). Cytogenetic location: 2q31.2.
Variant type: single nucleotide variant.
Coding change: c.107681-7C>T on transcript NM_001267550.2 (MANE Select); 7 bases into the intron before coding-DNA position 107681, C replaced by T.
Molecular consequence: intron variant.
Genome position (GRCh38, 1-based): chr2:178,527,314, G>A on the plus strand (C>T on the coding strand, the complement: TTN is on the minus strand). VCF-style: chr2-178527314-G-A. GRCh37 (hg19) VCF-style: chr2-179392041-G-A.
Other names: c.80486-7C>T (NM_003319.4); c.81062-7C>T (NM_133437.4); c.80861-7C>T (NM_133432.3); c.99977-7C>T (NM_133378.4); c.102758-7C>T (NM_001256850.1).
Identifiers: ClinVar variation 3052637 (VCV003052637.2), dbSNP rs763921838, ClinGen allele CA1984894.
Genomic context (GRCh38, chr2:178,527,314, plus strand): 5'-TGCCTTCATCAATGCTGATATCAGATGGAAGAGCTTCAATTTTAGGCGGAATTCCTTTAT[G>A]GAACAATGACAAAAAAAAGGTCTTAGAATCACTGAAAAAAATAAAGATTTGCTTTCTACT-3'